The following is an entry in ClinVar:

NM_001166108.2(PALLD):c.2744G>A (p.Gly915Glu)

Genes: CBR4 (carbonyl reductase 4; minus strand), PALLD (palladin, cytoskeletal associated protein; plus strand). Cytogenetic location: 4q32.3.
Variant type: single nucleotide variant.
Coding change: c.2744G>A on transcript NM_001166108.2 (MANE Select); coding-DNA position 2744, G replaced by A.
Protein change: p.Gly915Glu; replaces glycine 915 with glutamic acid.
Molecular consequence: missense variant.
Genome position (GRCh38, 1-based): chr4:168,915,921, G>A. VCF-style: chr4-168915921-G-A. GRCh37 (hg19) VCF-style: chr4-169837072-G-A.
Other names: c.1547G>A, p.Gly516Glu (NM_001166109.2); c.1232G>A, p.Gly411Glu (NM_001166110.2); c.572G>A, p.Gly191Glu (NM_001367567.1, NM_001367569.1); c.623G>A, p.Gly208Glu (NM_001367568.1, NM_001367570.1); c.2693G>A, p.Gly898Glu (NM_016081.4); short protein forms G208E, G516E, G898E, G191E, G915E, G411E.
Identifiers: ClinVar variation 4841856 (VCV004841856.1).
Genomic context (GRCh38, chr4:168,915,921, plus strand): 5'-ATTTCTATCTATCTGTCATCTTTCTTGTTTCAAGGCCTCGTTCTAGATCAAGGGACAGTG[G>A]AGACGAAAATGAACCAATTCAGGAGCGATTCTTCAGACCTCACTTCTTGCAGGCTCCTGG-3'
Protein context (NP_001159580.1, residues 905-925): RRPRSRSRDS[Gly915Glu]DENEPIQERF

ClinVar aggregate classification (germline): Uncertain significance (1 of 4 stars; one submission).

Submission:

Ambry Genetics
Classification: Uncertain significance. Last evaluated: 2025-12-23. Review status: criteria provided, single submitter. Criteria: Ambry Variant Classification Scheme 2023. Collection method: clinical testing. Allele origin: germline.
Comment: The p.G411E variant (also known as c.1232G>A), located in coding exon 7 of the PALLD gene, results from a G to A substitution at nucleotide position 1232. The glycine at codon 411 is replaced by glutamic acid, an amino acid with similar properties. This amino acid position is conserved. In addition, this alteration is predicted to be tolerated by in silico analysis. Based on the available evidence, the clinical significance of this variant remains unclear.